The following is an entry in ClinVar:

GRCh37/hg19 9q21.2-22.32(chr9:79520825-97201274)

Genes: AGTPBP1 (ATP/GTP binding carboxypeptidase 1; minus strand), ASPN (asporin; minus strand), AUH (AU RNA binding methylglutaconyl-CoA hydratase; minus strand), BARX1 (BARX homeobox 1; minus strand), BICD2 (BICD cargo adaptor 2; minus strand) and 76 more. Cytogenetic location: 9q21.2-22.32.
Variant type: copy number gain.
Identifiers: ClinVar variation 625637 (VCV000625637.1).

ClinVar aggregate classification (germline): Pathogenic (1 of 4 stars; one submission).

Submission:

Baylor Genetics
Classification: Pathogenic. Last evaluated: 2018-11-01. Review status: criteria provided, single submitter. Criteria: ACMG CNV Guidelines, 2011. Collection method: clinical testing. Allele origin: germline. Affected: yes. Observed: 1 variant allele.
Comment: Duplications involving this region have been previously reported in patients with developmental delay and growth and motor retardation (PMID: 3613246)